The following is an entry in ClinVar:

NM_015978.3(TNNI3K):c.767A>G (p.Gln256Arg)

Genes: FPGT-TNNI3K (FPGT-TNNI3K readthrough; plus strand), TNNI3K (TNNI3 interacting kinase; plus strand). Cytogenetic location: 1p31.1.
Variant type: single nucleotide variant.
Coding change: c.767A>G on transcript NM_015978.3 (MANE Select); coding-DNA position 767, A replaced by G.
Protein change: p.Gln256Arg; replaces glutamine 256 with arginine.
Molecular consequence: missense variant.
Genome position (GRCh38, 1-based): chr1:74,342,926, A>G. VCF-style: chr1-74342926-A-G. GRCh37 (hg19) VCF-style: chr1-74808610-A-G.
Other names: c.1070A>G, p.Gln357Arg (NM_001112808.3, NM_001199327.2); short protein forms Q256R, Q357R.
Identifiers: ClinVar variation 4743449 (VCV004743449.1).
Genomic context (GRCh38, chr1:74,342,926, plus strand): 5'-ATGTCCCACTCCATTTCTGTTCTCGATTTGGACACCATGATATAGTTAAGTATCTGCTGC[A>G]AAGTGATTTGGAAGTTCAACCTCATGTTGTTAATATCTATGGAGATACCCCCTTACACCT-3'
Protein context (NP_057062.1, residues 246-266): GHHDIVKYLL[Gln256Arg]SDLEVQPHVV

ClinVar aggregate classification (germline): Uncertain significance (1 of 4 stars; one submission).

Submission:

Labcorp Genetics (formerly Invitae), Labcorp
Classification: Uncertain significance. Last evaluated: 2025-03-09. Review status: criteria provided, single submitter. Criteria: Invitae Variant Classification Sherloc (09022015). Collection method: clinical testing. Allele origin: germline.
Comment: This sequence change replaces glutamine, which is neutral and polar, with arginine, which is basic and polar, at codon 256 of the TNNI3K protein (p.Gln256Arg). This variant is not present in population databases (gnomAD no frequency). This variant has not been reported in the literature in individuals affected with TNNI3K-related conditions. Invitae Evidence Modeling of protein sequence and biophysical properties (such as structural, functional, and spatial information, amino acid conservation, physicochemical variation, residue mobility, and thermodynamic stability) indicates that this missense variant is not expected to disrupt TNNI3K protein function with a negative predictive value of 80%. In summary, the available evidence is currently insufficient to determine the role of this variant in disease. Therefore, it has been classified as a Variant of Uncertain Significance.